The following is an entry in ClinVar:

NM_004656.4(BAP1):c.266A>C (p.Asn89Thr)

Gene: BAP1 (BRCA1 associated deubiquitinase 1; minus strand). Cytogenetic location: 3p21.1.
Variant type: single nucleotide variant.
Coding change: c.266A>C on transcript NM_004656.4 (MANE Select); coding-DNA position 266, A replaced by C.
Protein change: p.Asn89Thr; replaces asparagine 89 with threonine.
Molecular consequence: missense variant.
Genome position (GRCh38, 1-based): chr3:52,408,067, T>G on the plus strand (A>C on the coding strand, the complement: BAP1 is on the minus strand). VCF-style: chr3-52408067-T-G. GRCh37 (hg19) VCF-style: chr3-52442083-T-G.
Other names: c.266A>C (NM_004656.3); short protein forms N89T.
Identifiers: ClinVar variation 1034599 (VCV001034599.6), dbSNP rs1705222909, ClinGen allele CA353112656.

ClinVar aggregate classification (germline): Uncertain significance. Review status: criteria provided, multiple submitters, no conflicts (2 of 4 stars). 2 submissions from 2 submitters: Uncertain significance (2). Last evaluated 2023-11-28.

Conditions:
BAP1-related tumor predisposition syndrome (TPDS1). Also called: Tumor susceptibility linked to germline BAP1 mutations; COMMON Syndrome; TUMOR PREDISPOSITION SYNDROME 1; BAP1 tumor predisposition syndrome. Identifiers: Orphanet 289539, MedGen C3280492, MONDO:0013692, OMIM 614327.

Submissions (2):

GeneDx
Classification: Uncertain significance. Last evaluated: 2023-11-28. Review status: criteria provided, single submitter. Criteria: GeneDx Variant Classification Process June 2021. Collection method: clinical testing. Allele origin: germline. Affected: yes.
Comment: Not observed at significant frequency in large population cohorts (gnomAD); In silico analysis supports that this missense variant has a deleterious effect on protein structure/function; Has not been previously published as pathogenic or benign to our knowledge

Labcorp Genetics (formerly Invitae), Labcorp
Classification: Uncertain significance for BAP1-related tumor predisposition syndrome. Last evaluated: 2020-09-17. Review status: criteria provided, single submitter. Criteria: Invitae Variant Classification Sherloc (09022015). Collection method: clinical testing. Allele origin: germline.
Comment: In summary, the available evidence is currently insufficient to determine the role of this variant in disease. Therefore, it has been classified as a Variant of Uncertain Significance. Algorithms developed to predict the effect of missense changes on protein structure and function (SIFT, PolyPhen-2, Align-GVGD) all suggest that this variant is likely to be disruptive, but these predictions have not been confirmed by published functional studies and their clinical significance is uncertain. This variant has not been reported in the literature in individuals with BAP1-related conditions. This variant is not present in population databases (ExAC no frequency). This sequence change replaces asparagine with threonine at codon 89 of the BAP1 protein (p.Asn89Thr). The asparagine residue is highly conserved and there is a small physicochemical difference between asparagine and threonine.